The following is an entry in ClinVar:

NM_001042492.3(NF1):c.5015A>T (p.Asp1672Val)

Gene: NF1 (neurofibromin 1; plus strand). Cytogenetic location: 17q11.2.
Variant type: single nucleotide variant.
Coding change: c.5015A>T on transcript NM_001042492.3 (MANE Select); coding-DNA position 5015, A replaced by T.
Protein change: p.Asp1672Val; replaces aspartic acid 1672 with valine.
Molecular consequence: missense variant.
Genome position (GRCh38, 1-based): chr17:31,325,999, A>T. VCF-style: chr17-31325999-A-T. GRCh37 (hg19) VCF-style: chr17-29653017-A-T.
Other names: c.4952A>T, p.Asp1651Val (NM_000267.4); short protein forms D1672V, D1651V.
Identifiers: ClinVar variation 527555 (VCV000527555.10), dbSNP rs1555533338, ClinGen allele CA399007322.

ClinVar aggregate classification (germline): Conflicting classifications of pathogenicity. Review status: criteria provided, conflicting classifications (1 of 4 stars). 2 submissions from 2 submitters: Uncertain significance (1); Benign (1). Last evaluated 2026-01-05.

Conditions:
Cardiovascular phenotype. Identifiers: MedGen CN230736.
Hereditary cancer-predisposing syndrome. Also called: Neoplastic Syndromes, Hereditary; Tumor predisposition; Hereditary neoplastic syndrome; Hereditary Cancer Syndrome. Identifiers: Orphanet 140162, MedGen C0027672, MeSH D009386, MONDO:0015356.
Neurofibromatosis, type 1 (NF1). Also called: VON RECKLINGHAUSEN DISEASE; NEUROFIBROMATOSIS, TYPE I, SOMATIC; Peripheral type neurofibromatosis; Neurofibromatosis, type I. Identifiers: Orphanet 636, MedGen C0027831, MONDO:0018975, OMIM 162200. Disease mechanism: loss of function.

Allele frequency attached by ClinVar (database versions not stated): gnomAD exomes 0.00001; TOPMed 0.00001.
gnomAD v4.1: 21 of 1,614,186 alleles (0.0013%); highest among the groups gnomAD compares: Non-Finnish European, 0.0018%; no homozygotes.

Submissions (2):

Labcorp Genetics (formerly Invitae), Labcorp
Classification: Benign for Neurofibromatosis, type 1. Last evaluated: 2026-01-05. Review status: criteria provided, single submitter. Criteria: Invitae Variant Classification Sherloc (09022015). Collection method: clinical testing. Allele origin: germline.

Ambry Genetics
Classification: Uncertain significance for Cardiovascular phenotype; Hereditary cancer-predisposing syndrome. Last evaluated: 2021-04-20. Review status: criteria provided, single submitter. Criteria: Ambry Variant Classification Scheme 2023. Collection method: clinical testing. Allele origin: germline.
Comment: The p.D1651V variant (also known as c.4952A>T), located in coding exon 36 of the NF1 gene, results from an A to T substitution at nucleotide position 4952. The aspartic acid at codon 1651 is replaced by valine, an amino acid with highly dissimilar properties. This variant was reported in 0/60,466 breast cancer cases and in 2/53,461 controls (Dorling et al. N Engl J Med. 2021 02;384:428-439). This amino acid position is not well conserved in available vertebrate species. In addition, the in silico prediction for this alteration is inconclusive. Since supporting evidence is limited at this time, the clinical significance of this alteration remains unclear.